The following is an entry in ClinVar:

NM_018979.4(WNK1):c.6497C>T (p.Thr2166Ile)

Gene: WNK1 (WNK lysine deficient protein kinase 1; plus strand). Cytogenetic location: 12p13.33.
Variant type: single nucleotide variant.
Coding change: c.6497C>T on transcript NM_018979.4 (MANE Select); coding-DNA position 6497, C replaced by T.
Protein change: p.Thr2166Ile; replaces threonine 2166 with isoleucine.
Molecular consequence: missense variant.
Genome position (GRCh38, 1-based): chr12:900,524, C>T. VCF-style: chr12-900524-C-T. GRCh37 (hg19) VCF-style: chr12-1009690-C-T.
Other names: c.7277C>T, p.Thr2426Ile (NM_001184985.2); c.5753C>T, p.Thr1918Ile (NM_014823.3); c.7253C>T, p.Thr2418Ile (NM_213655.5); short protein forms T2166I, T2418I, T1918I, T2426I.
Identifiers: ClinVar variation 884046 (VCV000884046.9), dbSNP rs762925275, ClinGen allele CA6383419.

ClinVar aggregate classification (germline): Conflicting classifications of pathogenicity. Review status: criteria provided, conflicting classifications (1 of 4 stars). 2 submissions from 2 submitters: Uncertain significance (1); Benign (1). Last evaluated 2024-07-19.

Conditions:
Pseudohypoaldosteronism type 2C (PHA2C). Also called: Pseudohypoaldosteronism Type IIC. Identifiers: Orphanet 757, Orphanet 88940, MedGen C1840391, MONDO:0013778, OMIM 614492.
Neuropathy, hereditary sensory and autonomic, type 2A (HSAN2A). Also called: ACROOSTEOLYSIS, GIACCAI TYPE; ACROOSTEOLYSIS, NEUROGENIC; MORVAN DISEASE; NEUROPATHY, CONGENITAL SENSORY; NEUROPATHY, HEREDITARY SENSORY RADICULAR, AUTOSOMAL RECESSIVE; NEUROPATHY, HEREDITARY SENSORY, TYPE IIA. Identifiers: Orphanet 970, MedGen C2752089, MONDO:0024309, OMIM 201300.

Allele frequency attached by ClinVar (database versions not stated): gnomAD exomes 0.00001 and 0.00002; gnomAD 0.00002 and 0.00003; ExAC 0.00003; TOPMed 0.00003.
gnomAD v4.1: 13 of 1,614,070 alleles (0.00081%); highest among the groups gnomAD compares: East Asian, 0.02%; no homozygotes.

Submissions (2):

Labcorp Genetics (formerly Invitae), Labcorp
Classification: Uncertain significance for Neuropathy, hereditary sensory and autonomic, type 2A; Pseudohypoaldosteronism type 2C. Last evaluated: 2024-07-19. Review status: criteria provided, single submitter. Criteria: Invitae Variant Classification Sherloc (09022015). Collection method: clinical testing. Allele origin: germline.
Comment: This sequence change replaces threonine, which is neutral and polar, with isoleucine, which is neutral and non-polar, at codon 2418 of the WNK1 protein (p.Thr2418Ile). This variant is present in population databases (rs762925275, gnomAD 0.03%). This variant has not been reported in the literature in individuals affected with WNK1-related conditions. ClinVar contains an entry for this variant (Variation ID: 884046). Advanced modeling of protein sequence and biophysical properties (such as structural, functional, and spatial information, amino acid conservation, physicochemical variation, residue mobility, and thermodynamic stability) performed at Invitae indicates that this missense variant is not expected to disrupt WNK1 protein function with a negative predictive value of 95%. In summary, the available evidence is currently insufficient to determine the role of this variant in disease. Therefore, it has been classified as a Variant of Uncertain Significance.

Illumina Laboratory Services, Illumina
Classification: Benign for Pseudohypoaldosteronism type 2C. Last evaluated: 2018-04-20. Review status: criteria provided, single submitter. Criteria: ICSL Variant Classification Criteria 13 December 2019. Collection method: clinical testing. Allele origin: germline.
Comment: This variant was observed in the ICSL laboratory as part of a predisposition screen in an ostensibly healthy population. It had not been previously curated by ICSL or reported in the Human Gene Mutation Database (HGMD: prior to June 1st, 2018), and was therefore a candidate for classification through an automated scoring system. Utilizing variant allele frequency, disease prevalence and penetrance estimates, and inheritance mode, an automated score was calculated to assess if this variant is too frequent to cause the disease. Based on the score and internal cut-off values, a variant classified as benign is not then subjected to further curation. The score for this variant resulted in a classification of benign for this disease.